The following is an entry in ClinVar:

ClinVar aggregate classification (germline): Uncertain significance (1 of 4 stars; one submission).

Conditions:
Encephalopathy, acute, infection-induced (herpes-specific), susceptibility to, 1. Also called: Herpes simplex encephalitis, susceptibility to, 1. Identifiers: Orphanet 1930, MedGen C2750180, MONDO:0024563, OMIM 610551.

Allele frequency attached by ClinVar (database versions not stated): ESP Exome Variant Server 0.00008; ExAC 0.00007.

Submission:

Labcorp Genetics (formerly Invitae), Labcorp
Classification: Uncertain significance for Encephalopathy, acute, infection-induced (herpes-specific), susceptibility to, 1. Last evaluated: 2023-08-17. Review status: criteria provided, single submitter. Criteria: Invitae Variant Classification Sherloc (09022015). Collection method: clinical testing. Allele origin: germline.
Comment: This sequence change replaces alanine, which is neutral and non-polar, with serine, which is neutral and polar, at codon 147 of the UNC93B1 protein (p.Ala147Ser). This variant is present in population databases (rs372807360, gnomAD 0.02%). This variant has not been reported in the literature in individuals affected with UNC93B1-related conditions. ClinVar contains an entry for this variant (Variation ID: 1055552). Experimental studies and prediction algorithms are not available or were not evaluated, and the functional significance of this variant is currently unknown. In summary, the available evidence is currently insufficient to determine the role of this variant in disease. Therefore, it has been classified as a Variant of Uncertain Significance.

NM_030930.4(UNC93B1):c.439G>T (p.Ala147Ser)

Gene: UNC93B1 (unc-93B1 regulator of TLR signaling; minus strand). Cytogenetic location: 11q13.2.
Variant type: single nucleotide variant.
Coding change: c.439G>T on transcript NM_030930.4 (MANE Select); coding-DNA position 439, G replaced by T.
Protein change: p.Ala147Ser; replaces alanine 147 with serine.
Molecular consequence: missense variant.
Genome position (GRCh38, 1-based): chr11:67,999,634, C>A on the plus strand (G>T on the coding strand, the complement: UNC93B1 is on the minus strand). VCF-style: chr11-67999634-C-A. GRCh37 (hg19) VCF-style: chr11-67767104-C-A.
Other names: short protein forms A147S.
Identifiers: ClinVar variation 1055552 (VCV001055552.7), dbSNP rs372807360, ClinGen allele CA6145656.